The following is an entry in ClinVar:

ClinVar aggregate classification (germline): Uncertain significance (1 of 4 stars; one submission).

Conditions:
Hereditary cancer-predisposing syndrome. Also called: Neoplastic Syndromes, Hereditary; Hereditary Cancer Syndrome; Hereditary neoplastic syndrome; Tumor predisposition. Identifiers: Orphanet 140162, MedGen C0027672, MeSH D009386, MONDO:0015356.

Submission:

Ambry Genetics
Classification: Uncertain significance for Hereditary cancer-predisposing syndrome. Last evaluated: 2023-04-24. Review status: criteria provided, single submitter. Criteria: Ambry Variant Classification Scheme 2023. Collection method: clinical testing. Allele origin: germline.
Comment: The p.D199H variant (also known as c.595G>C), located in coding exon 4 of the MSH3 gene, results from a G to C substitution at nucleotide position 595. The aspartic acid at codon 199 is replaced by histidine, an amino acid with similar properties. This amino acid position is conserved. In addition, this alteration is predicted to be tolerated by in silico analysis. Since supporting evidence is limited at this time, the clinical significance of this alteration remains unclear.

NM_002439.5(MSH3):c.595G>C (p.Asp199His)

Gene: MSH3 (mutS homolog 3; plus strand). Cytogenetic location: 5q14.1.
Variant type: single nucleotide variant.
Coding change: c.595G>C on transcript NM_002439.5 (MANE Select); coding-DNA position 595, G replaced by C.
Protein change: p.Asp199His; replaces aspartic acid 199 with histidine.
Molecular consequence: missense variant.
Genome position (GRCh38, 1-based): chr5:80,670,112, G>C. VCF-style: chr5-80670112-G-C. GRCh37 (hg19) VCF-style: chr5-79965931-G-C.
Other names: short protein forms D199H.
Identifiers: ClinVar variation 2565658 (VCV002565658.2), dbSNP rs1749670388, ClinGen allele CA360265900.